The following is an entry in ClinVar:

ClinVar aggregate classification (germline): Pathogenic/Likely pathogenic. Review status: criteria provided, multiple submitters, no conflicts (2 of 4 stars). 4 submissions from 4 submitters: Pathogenic (1); Likely pathogenic (2). 1 of the submissions does not count toward it. Last evaluated 2026-03-02.

Conditions:
Cardiovascular phenotype. Identifiers: MedGen CN230736.
Familial long QT syndrome (RWS). Also called: Congenital long QT syndrome; Romano-Ward syndrome; VENTRICULAR FIBRILLATION WITH PROLONGED QT INTERVAL. Identifiers: Orphanet 768, MedGen C1141890, MONDO:0019171.
Long QT syndrome (LQTS). Identifiers: MedGen C0023976, MeSH D008133, MONDO:0002442. Disease mechanism: loss of function. Inheritance: Various modes of inheritance.
Long QT syndrome 1 (LQT1). Identifiers: Orphanet 101016, Orphanet 768, MedGen C4551647, MONDO:0100316, OMIM 192500, MONDO:0008646.

Submissions (4):

Ambry Genetics
Classification: Likely pathogenic for Cardiovascular phenotype. Last evaluated: 2026-03-02. Review status: criteria provided, single submitter. Criteria: Ambry Variant Classification Scheme 2023. Collection method: clinical testing. Allele origin: germline.
Comment: The p.R518G variant (also known as c.1552C>G), located in coding exon 12 of the KCNQ1 gene, results from a C to G substitution at nucleotide position 1552. The arginine at codon 518 is replaced by glycine, an amino acid with dissimilar properties. This variant was reported in individual(s) with features consistent with long QT syndrome and segregated with disease in at least one family (Napolitano C, JAMA 2005 Dec; 294(23):2975-80; Itoh H, Heart Rhythm 2010 Oct; 7(10):1411-8. Horigome H, Circ Arrhythm Electrophysiol 2011 Aug; 4(4):456-64; Walsh R. Genet Med. 2021 Jan;23(1):47-58; external communication; Ambry internal data). This amino acid position is well conserved in available vertebrate species. In addition, this alteration is predicted to be deleterious by in silico analysis. This variant is considered to be rare based on population cohorts in the Genome Aggregation Database (gnomAD). Based on the majority of available evidence to date, this variant is likely to be pathogenic.

Labcorp Genetics (formerly Invitae), Labcorp
Classification: Pathogenic for Long QT syndrome. Last evaluated: 2025-11-05. Review status: criteria provided, single submitter. Criteria: Invitae Variant Classification Sherloc (09022015). Collection method: clinical testing. Allele origin: germline.
Comment: This sequence change replaces arginine, which is basic and polar, with glycine, which is neutral and non-polar, at codon 518 of the KCNQ1 protein (p.Arg518Gly). This variant is not present in population databases (gnomAD no frequency). This missense change has been observed in individuals with clinical features of long QT syndrome (PMID: 16414944, 21511995, 24363352; internal data). It has also been observed to segregate with disease in related individuals. ClinVar contains an entry for this variant (Variation ID: 52991). Invitae Evidence Modeling of protein sequence and biophysical properties (such as structural, functional, and spatial information, amino acid conservation, physicochemical variation, residue mobility, and thermodynamic stability) indicates that this missense variant is expected to disrupt KCNQ1 protein function with a positive predictive value of 95%. For these reasons, this variant has been classified as Pathogenic.

MVZ Martinsried, Medicover Genetics
Classification: Likely pathogenic for Long QT syndrome 1. Last evaluated: 2018-07-04. Review status: criteria provided, single submitter. Criteria: ACMG Guidelines, 2015. Collection method: clinical testing. Allele origin: unknown. Affected: yes.

Cardiovascular Biomedical Research Unit, Royal Brompton & Harefield NHS Foundation Trust
No classification provided. Condition: Familial long QT syndrome. Review status: no classification provided. Collection method: literature only. Allele origin: germline. Not counted in ClinVar's aggregate classification.
Comment: This variant has been reported as associated with Long QT syndrome in the following publications (PMID:16414944). This is a literature report, and does not necessarily reflect the clinical interpretation of the Imperial College / Royal Brompton Cardiovascular Genetics laboratory.

Literature cited by the submitters: PubMed 16414944 (cited by 3 submitters); PubMed 20541041 (cited by Ambry Genetics); PubMed 21511995 (cited by Ambry Genetics and Labcorp Genetics (formerly Invitae), Labcorp); PubMed 32893267 (cited by Ambry Genetics); PubMed 24363352 (cited by Labcorp Genetics (formerly Invitae), Labcorp); PubMed 22581653 (cited by Cardiovascular Biomedical Research Unit, Royal Brompton & Harefield NHS Foundation Trust).

NM_000218.3(KCNQ1):c.1552C>G (p.Arg518Gly)

Gene: KCNQ1 (potassium voltage-gated channel subfamily Q member 1; plus strand). Cytogenetic location: 11p15.5.
Variant type: single nucleotide variant.
Coding change: c.1552C>G on transcript NM_000218.3 (MANE Select); coding-DNA position 1552, C replaced by G.
Protein change: p.Arg518Gly; replaces arginine 518 with glycine.
Molecular consequence: missense variant.
Genome position (GRCh38, 1-based): chr11:2,768,881, C>G. VCF-style: chr11-2768881-C-G. GRCh37 (hg19) VCF-style: chr11-2790111-C-G.
Other names: c.1552C>G (LRG_287t1); c.1456C>G, p.Arg486Gly (NM_001406836.1); c.1282C>G, p.Arg428Gly (NM_001406837.1); c.1012C>G, p.Arg338Gly (NM_001406838.1); c.1171C>G, p.Arg391Gly (NM_181798.2); short protein forms R518G, R391G, R428G, R486G, R338G.
Identifiers: ClinVar variation 52991 (VCV000052991.13), dbSNP rs17215500, ClinGen allele CA005889.